The following is an entry in ClinVar:

ClinVar aggregate classification (germline): Likely pathogenic (0 of 4 stars; one submission).

Conditions:
Retinitis pigmentosa 39 (RP39). Identifiers: Orphanet 791, MedGen C3151138, MONDO:0013436, OMIM 613809.
Usher syndrome type 2A. Also called: USHER SYNDROME, TYPE IIA; RETINAL DISEASE IN USHER SYNDROME TYPE IIA, MODIFIER OF. Identifiers: Orphanet 231178, Orphanet 886, MedGen C1848634, MONDO:0010169, OMIM 276901.

Submission:

Department of Genetics, Suzhou Beikang Medical Laboratory
Classification: Likely pathogenic for Retinitis pigmentosa 39; Usher syndrome type 2A. Last evaluated: 2024-10-31. Review status: no assertion criteria provided. Collection method: clinical testing. Allele origin: germline. Affected: no.
Comment: In summary, the currently available evidence indicates that the variant is Likely pathogenic, but additional data are needed to prove that conclusively. Therefore, this variant has been classified as Likely Pathogenic. Algorithms developed to predict the effect of sequence changes on RNA splicing suggest that this variant may disrupt the consensus splice site. This variant has not been reported in the literature in individuals affected with USH2A-related conditions. This variant is not present in population databases (ExAC no frequency). This sequence change affects a donor splice site in intron 11 of the USH2A gene. It is expected to disrupt RNA splicing. Variants that disrupt the donor or acceptor splice site typically lead to a loss of protein function (PMID: 16199547), and loss-of-function variants in USH2A are known to be pathogenic (PMID: 21841779, 26827111).

NM_206933.4(USH2A):c.1972-1G>T

Gene: USH2A (usherin; minus strand). Cytogenetic location: 1q41.
Variant type: single nucleotide variant.
Coding change: c.1972-1G>T on transcript NM_206933.4 (MANE Select); the canonical splice acceptor site of the intron before coding-DNA position 1972, G replaced by T.
Molecular consequence: splice acceptor variant.
Genome position (GRCh38, 1-based): chr1:216,251,099, C>A on the plus strand (G>T on the coding strand, the complement: USH2A is on the minus strand). VCF-style: chr1-216251099-C-A. GRCh37 (hg19) VCF-style: chr1-216424441-C-A.
Other names: c.1972-1G>T (NM_007123.6).
Identifiers: ClinVar variation 3370415 (VCV003370415.1).